The following is an entry in ClinVar:

NM_000458.4(HNF1B):c.1561dup (p.Gln521fs)

Gene: HNF1B (HNF1 homeobox B; minus strand). Cytogenetic location: 17q12.
Variant type: Duplication.
Coding change: c.1561dup on transcript NM_000458.4 (MANE Select); coding-DNA position 1561, one base duplicated (C; older notation c.1561dupC).
Protein change: p.Gln521fs; shifts the reading frame from glutamine 521.
Molecular consequence: frameshift variant. On other transcripts: intron variant (1).
Genome position (GRCh38, 1-based): chr17:37,699,168, G duplicated on the plus strand (C on the coding strand, the reverse complement: HNF1B is on the minus strand); the first of 7 consecutive G bases (chr17:37,699,168-37,699,174); duplicating any one gives the same sequence. VCF-style (leftmost placement, unchanged base first): chr17-37699167-T-TG. GRCh37 (hg19) VCF-style: chr17-36059173-T-TG.
Other names: c.1483dup, p.Gln495fs (NM_001165923.4); c.1261+5743dup (NM_001304286.2); short protein forms Q521fs, Q495fs.
Identifiers: ClinVar variation 635577 (VCV000635577.6), dbSNP rs764042837, ClinGen allele CA8518797.

ClinVar aggregate classification (germline): Conflicting classifications of pathogenicity. Review status: criteria provided, conflicting classifications (1 of 4 stars). 3 submissions from 3 submitters: Pathogenic (1); Uncertain significance (2). Last evaluated 2026-01-01.

Conditions:
Renal cysts and diabetes syndrome (RCAD). Also called: Familial hypoplastic, glomerulocystic kidney; MATURITY-ONSET DIABETES OF THE YOUNG, TYPE 5. Identifiers: Orphanet 93111, MedGen C0431693, MONDO:0007669, OMIM 137920.

Submissions (3):

CeGaT Center for Human Genetics Tuebingen
Classification: Uncertain significance. Last evaluated: 2026-01-01. Review status: criteria provided, single submitter. Criteria: CeGaT Center For Human Genetics Tuebingen Variant Classification Criteria Version 2. Collection method: clinical testing. Allele origin: germline. Affected: yes. Observed: 1 variant allele.
Comment: HNF1B: PM2, PVS1:Moderate

Blueprint Genetics
Classification: Uncertain significance. Last evaluated: 2024-04-05. Review status: criteria provided, single submitter. Criteria: ACMG Guidelines, 2015. Collection method: clinical testing. Allele origin: germline.

Institute of Human Genetics, FAU Erlangen, Friedrich-Alexander-Universität Erlangen-Nürnberg
Classification: Pathogenic for Renal cysts and diabetes syndrome. Last evaluated: 2019-07-06. Review status: criteria provided, single submitter. Criteria: ACMG Guidelines, 2015. Collection method: literature only. Allele origin: germline. Affected: yes.
Comment: This variant and it's classification has been reported by Vasileiou et al. 2019; DOI:10.1101/576918. The variants has previously been reported in PMID:25700310; PMID:24097065; PMID:25536396 as "c.1561dupC" with clinical significance Pathogenic. It has been re-classified using InterVar and manual curation as Pathogenic based on PVS1 PM2 PP3.

Literature cited by the submitters: PubMed 25700310 (cited by Institute of Human Genetics, FAU Erlangen, Friedrich-Alexander-Universität Erlangen-Nürnberg); PubMed 24097065 (cited by Institute of Human Genetics, FAU Erlangen, Friedrich-Alexander-Universität Erlangen-Nürnberg); PubMed 25536396 (cited by Institute of Human Genetics, FAU Erlangen, Friedrich-Alexander-Universität Erlangen-Nürnberg); DOI 10.1101/576918 (cited by Institute of Human Genetics, FAU Erlangen, Friedrich-Alexander-Universität Erlangen-Nürnberg).